The following is an entry in ClinVar:

ClinVar aggregate classification (germline): Pathogenic (1 of 4 stars; one submission).

Submission:

Labcorp Genetics (formerly Invitae), Labcorp
Classification: Pathogenic. Last evaluated: 2024-08-29. Review status: criteria provided, single submitter. Criteria: Invitae Variant Classification Sherloc (09022015). Collection method: clinical testing. Allele origin: germline.
Comment: This sequence change affects a donor splice site in intron 5 of the LRP5 gene. It is expected to disrupt RNA splicing. Variants that disrupt the donor or acceptor splice site typically lead to a loss of protein function (PMID: 16199547), and loss-of-function variants in LRP5 are known to be pathogenic (PMID: 11719191, 16252235, 25711638). This variant is not present in population databases (gnomAD no frequency). Disruption of this splice site has been observed in individual(s) with osteoporosis-pseudoglioma syndrome (PMID: 21407258). Studies have shown that disruption of this splice site alters mRNA splicing and is expected to lead to the loss of protein expression (PMID: 21407258; internal data). For these reasons, this variant has been classified as Pathogenic.

Literature cited by the submitters: PubMed 16199547; PubMed 11719191; PubMed 16252235; PubMed 25711638; PubMed 21407258.

NM_002335.4(LRP5):c.1015+1G>A

Gene: LRP5 (LDL receptor related protein 5; plus strand). Cytogenetic location: 11q13.2.
Variant type: single nucleotide variant.
Coding change: c.1015+1G>A on transcript NM_002335.4 (MANE Select); the canonical splice donor site of the intron after coding-DNA position 1015, G replaced by A.
Molecular consequence: splice donor variant.
Genome position (GRCh38, 1-based): chr11:68,365,703, G>A. VCF-style: chr11-68365703-G-A. GRCh37 (hg19) VCF-style: chr11-68133171-G-A.
Other names: c.-751+1G>A (NM_001291902.2).
Identifiers: ClinVar variation 3663863 (VCV003663863.2).